The following is an entry in ClinVar:

ClinVar aggregate classification (germline): Uncertain significance. Review status: criteria provided, multiple submitters, no conflicts (2 of 4 stars). 2 submissions from 2 submitters: Uncertain significance (2). Last evaluated 2025-01-05.

Conditions:
OTOG-related disorder. Also called: OTOG-related condition.

Allele frequency attached by ClinVar (database versions not stated): gnomAD 0.00003 and 0.00004; gnomAD exomes 0.00003 and 0.00007; TOPMed 0.00004; ExAC 0.00007.
gnomAD v4.1: 105 of 1,542,612 alleles (0.0068%); highest among the groups gnomAD compares: Non-Finnish European, 0.0085%; no homozygotes.

Submissions (2):

PreventionGenetics, part of Exact Sciences
Classification: Uncertain significance for OTOG-related condition. Last evaluated: 2025-01-05. Review status: criteria provided, single submitter. Criteria: ACMG Guidelines, 2015. Collection method: clinical testing. Allele origin: germline.
Comment: The OTOG c.1211G>A variant is predicted to result in the amino acid substitution p.Arg404Gln. To our knowledge, this variant has not been reported in the literature. This variant is reported in 0.013% of alleles in individuals of African descent in gnomAD. At this time, the clinical significance of this variant is uncertain due to the absence of conclusive functional and genetic evidence.

Labcorp Genetics (formerly Invitae), Labcorp
Classification: Uncertain significance. Last evaluated: 2022-10-17. Review status: criteria provided, single submitter. Criteria: Invitae Variant Classification Sherloc (09022015). Collection method: clinical testing. Allele origin: germline.
Comment: This sequence change replaces arginine, which is basic and polar, with glutamine, which is neutral and polar, at codon 404 of the OTOG protein (p.Arg404Gln). This variant is present in population databases (rs755321990, gnomAD 0.01%). This variant has not been reported in the literature in individuals affected with OTOG-related conditions. ClinVar contains an entry for this variant (Variation ID: 1345593). Algorithms developed to predict the effect of missense changes on protein structure and function output the following: SIFT: "Tolerated"; PolyPhen-2: "Benign"; Align-GVGD: "Class C0". The glutamine amino acid residue is found in multiple mammalian species, which suggests that this missense change does not adversely affect protein function. In summary, the available evidence is currently insufficient to determine the role of this variant in disease. Therefore, it has been classified as a Variant of Uncertain Significance.

NM_001292063.2(OTOG):c.1175G>A (p.Arg392Gln)

Gene: OTOG (otogelin; plus strand). Cytogenetic location: 11p15.1.
Variant type: single nucleotide variant.
Coding change: c.1175G>A on transcript NM_001292063.2 (MANE Select); coding-DNA position 1175, G replaced by A.
Protein change: p.Arg392Gln; replaces arginine 392 with glutamine.
Molecular consequence: missense variant.
Genome position (GRCh38, 1-based): chr11:17,559,123, G>A. VCF-style: chr11-17559123-G-A. GRCh37 (hg19) VCF-style: chr11-17580670-G-A.
Other names: c.1211G>A, p.Arg404Gln (NM_001277269.2); c.1211G>A (NM_001277269.1); short protein forms R404Q, R392Q.
Identifiers: ClinVar variation 1345593 (VCV001345593.6), dbSNP rs755321990, ClinGen allele CA5905458.